The following is an entry in ClinVar:

ClinVar aggregate classification (germline): not provided (0 of 4 stars; one submission).

Conditions:
Alagille syndrome due to a JAG1 point mutation. Also called: Alagille Syndrome 1; JAG1-Related Alagille Syndrome; HEPATIC DUCTULAR HYPOPLASIA, SYNDROMATIC. Identifiers: Orphanet 261619, Orphanet 52, MedGen C1956125, MONDO:0016862, OMIM 118450.

Submissions (2):

GeneReviews
No classification provided. Condition: Alagille syndrome due to a JAG1 point mutation. Review status: no classification provided. Collection method: literature only. Allele origin: germline.

Gilbert/Spinner Lab, Children's Hospital of Philadelphia
No classification provided (evidence only). Condition: Alagille syndrome. Review status: no classification provided. Collection method: research. Allele origin: not applicable. Functional consequence: functionally_abnormal. Not counted in ClinVar's aggregate classification.
ClinVar note: "not provided" was previously submitted as the classification for the variant. However, the classification appeared to be based only on an observation of functional data so it was converted to no classification on 2025-07-30.

Literature cited by the submitters: NCBI Bookshelf NBK1273 (cited by GeneReviews); PubMed 20301450 (cited by GeneReviews).

NM_000214.3(JAG1):c.233G>C (p.Cys78Ser)

Gene: JAG1 (jagged canonical Notch ligand 1; minus strand). Cytogenetic location: 20p12.2.
Variant type: single nucleotide variant.
Coding change: c.233G>C on transcript NM_000214.3 (MANE Select); coding-DNA position 233, G replaced by C.
Protein change: p.Cys78Ser; replaces cysteine 78 with serine.
Molecular consequence: missense variant.
Genome position (GRCh38, 1-based): chr20:10,672,855, C>G on the plus strand (G>C on the coding strand, the complement: JAG1 is on the minus strand). VCF-style: chr20-10672855-C-G. GRCh37 (hg19) VCF-style: chr20-10653503-C-G.
Other names: short protein forms C78S.
Identifiers: ClinVar variation 816704 (VCV000816704.4), dbSNP rs1555830957, ClinGen allele CA408243152.